The following is an entry in ClinVar:

ClinVar aggregate classification (germline): Pathogenic (1 of 4 stars; one submission).

Conditions:
Alstrom syndrome (ALMS). Identifiers: Orphanet 64, MedGen C0268425, MONDO:0008763, OMIM 203800.

Submission:

3billion
Classification: Pathogenic for Alstrom syndrome. Last evaluated: 2022-05-22. Review status: criteria provided, single submitter. Criteria: ACMG Guidelines, 2015. Collection method: clinical testing. Allele origin: germline. Affected: yes. Observed: 1 heterozygote.
Comment: The variant is observed at an extremely low frequency in the gnomAD v2.1.1 dataset (total allele frequency: 0.002%). Frameshift: predicted to result in a loss or disruption of normal protein function through nonsense-mediated decay (NMD) or protein truncation. Multiple pathogenic variants are reported downstream of the variant. The variant has been reported at least twice as pathogenic with clinical assertions and evidence for the classification (ClinVar ID: VCV000092191 / PMID: 26047050). Therefore, this variant is classified as pathogenic according to the recommendation of ACMG/AMP guideline.

Literature cited by the submitters: PubMed 26047050.

NM_001378454.1(ALMS1):c.11110_11128del (p.Gly3704fs)

Gene: ALMS1 (ALMS1 centrosome and basal body associated protein; plus strand). Cytogenetic location: 2p13.1.
Variant type: Deletion.
Coding change: c.11110_11128del on transcript NM_001378454.1 (MANE Select); coding-DNA positions 11110 to 11128, 19 bases deleted (GGGAGGTCTAATCAAATTA).
Protein change: p.Gly3704fs; shifts the reading frame from glycine 3704.
Molecular consequence: frameshift variant.
Genome position (GRCh38, 1-based): chr2:73,572,987-73,573,005, GGGAGGTCTAATCAAATTA deleted. VCF-style (leftmost placement, unchanged base first): chr2-73572986-TGGGAGGTCTAATCAAATTA-T. GRCh37 (hg19) VCF-style: chr2-73800113-TGGGAGGTCTAATCAAATTA-T.
Other names: c.11113_11131del, p.Gly3705fs (NM_015120.4); short protein forms G3704fs, G3705fs.
Identifiers: ClinVar variation 1687371 (VCV001687371.1), dbSNP rs2104106546, ClinGen allele CA2573135806.
Genomic context (GRCh38, chr2:73,572,986, plus strand): 5'-GAAAAGCCATAAAAATACAGGCGAGCTTAAAAAAAGCAAGGTGCTTTCTCATCATCGAGC[TGGGAGGTCTAATCAAATTA>T]AAATTGAACAGATTAAATTTGATAAATATATTCTGAGTAAACAGCCAGGTTTTAATTATA-3'